The following is an entry in ClinVar:

ClinVar aggregate classification (germline): Uncertain significance (1 of 4 stars; one submission).

Conditions:
Pheochromocytoma/paraganglioma syndrome 4. Also called: SDHB-Related Hereditary Paraganglioma-Pheochromocytoma Syndrome (Paragangliomas 4); SDHB-Related Hereditary Paraganglioma-Pheochromocytoma Syndrome; CAROTID BODY TUMORS AND MULTIPLE EXTRAADRENAL PHEOCHROMOCYTOMAS; PARAGANGLIOMA, FAMILIAL MALIGNANT; PARAGANGLIOMAS, HEREDITARY EXTRAADRENAL; PHEOCHROMOCYTOMA, FAMILIAL EXTRAADRENAL. Identifiers: Orphanet 29072, MedGen C1861848, MONDO:0007273, OMIM 115310.
Pheochromocytoma. Also called: MAX-Related Hereditary Paraganglioma-Pheochromocytoma Syndrome. Identifiers: Orphanet 29072, MedGen C0031511, MONDO:0008233, OMIM 171300, HP:0002666.
Gastrointestinal stromal tumor. Also called: Gastrointestinal stromal tumor, somatic; Gastrointestinal stroma tumor. Identifiers: Orphanet 44890, MedGen C0238198, MeSH D046152, MONDO:0011719, OMIM 606764, HP:0100723.

Submission:

Labcorp Genetics (formerly Invitae), Labcorp
Classification: Uncertain significance for Gastrointestinal stroma tumor; Paragangliomas 4; Pheochromocytoma. Last evaluated: 2018-07-02. Review status: criteria provided, single submitter. Criteria: Invitae Variant Classification Sherloc (09022015). Collection method: clinical testing. Allele origin: germline.
Comment: This sequence change replaces leucine with phenylalanine at codon 13 of the SDHB protein (p.Leu13Phe). The leucine residue is weakly conserved and there is a small physicochemical difference between leucine and phenylalanine. This variant is not present in population databases (ExAC no frequency). This variant has not been reported in the literature in individuals with SDHB-related disease. Algorithms developed to predict the effect of missense changes on protein structure and function output the following: SIFT: "Tolerated"; PolyPhen-2: "Benign"; Align-GVGD: "Class C0". The phenylalanine amino acid residue is found in multiple mammalian species, suggesting that this missense change does not adversely affect protein function. These predictions have not been confirmed by published functional studies and their clinical significance is uncertain. In summary, the available evidence is currently insufficient to determine the role of this variant in disease. Therefore, it has been classified as a Variant of Uncertain Significance.

NM_003000.3(SDHB):c.39G>C (p.Leu13Phe)

Gene: SDHB (succinate dehydrogenase complex iron sulfur subunit B; minus strand). Cytogenetic location: 1p36.13.
Variant type: single nucleotide variant.
Coding change: c.39G>C on transcript NM_003000.3 (MANE Select); coding-DNA position 39, G replaced by C.
Protein change: p.Leu13Phe; replaces leucine 13 with phenylalanine.
Molecular consequence: missense variant.
Genome position (GRCh38, 1-based): chr1:17,053,981, C>G on the plus strand (G>C on the coding strand, the complement: SDHB is on the minus strand). VCF-style: chr1-17053981-C-G. GRCh37 (hg19) VCF-style: chr1-17380476-C-G.
Other names: short protein forms L13F.
Identifiers: ClinVar variation 652761 (VCV000652761.1), dbSNP rs201745731, ClinGen allele CA338230783.